The following is an entry in ClinVar:

NM_020361.5(CPA6):c.107G>A (p.Arg36His)

Gene: CPA6 (carboxypeptidase A6; minus strand). Cytogenetic location: 8q13.2.
Variant type: single nucleotide variant.
Coding change: c.107G>A on transcript NM_020361.5 (MANE Select); coding-DNA position 107, G replaced by A.
Protein change: p.Arg36His; replaces arginine 36 with histidine.
Molecular consequence: missense variant.
Genome position (GRCh38, 1-based): chr8:67,746,023, C>T on the plus strand (G>A on the coding strand, the complement: CPA6 is on the minus strand). VCF-style: chr8-67746023-C-T. GRCh37 (hg19) VCF-style: chr8-68658258-C-T.
Other names: short protein forms R36H.
Identifiers: ClinVar variation 1325821 (VCV001325821.3), dbSNP rs183899632, ClinGen allele CA4773096.

ClinVar aggregate classification (germline): Conflicting classifications of pathogenicity. Review status: criteria provided, conflicting classifications (1 of 4 stars). 2 submissions from 2 submitters: Likely pathogenic (1); Uncertain significance (1). Last evaluated 2024-10-21.

Conditions:
Febrile seizures, familial, 11 (FEB11). Also called: CONVULSIONS, FAMILIAL FEBRILE, 11. Identifiers: MedGen C3280734, MONDO:0024566, OMIM 614418.

gnomAD v4.1: 46 of 1,612,352 alleles (0.0029%); highest among the groups gnomAD compares: East Asian, 0.02%; no homozygotes.

Submissions (2):

Revvity Omics, Revvity
Classification: Uncertain significance. Last evaluated: 2024-10-21. Review status: criteria provided, single submitter. Criteria: ACMG Guidelines, 2015. Collection method: clinical testing. Allele origin: germline.

Institute of Human Genetics, University of Leipzig Medical Center
Classification: Likely pathogenic for Febrile seizures, familial, 11. Last evaluated: 2024-07-24. Review status: criteria provided, single submitter. Criteria: ACMG Guidelines, 2015. Collection method: clinical testing. Allele origin: paternal. Inheritance: Autosomal recessive inheritance. Affected: yes.
Comment: This variant was identified as compound heterozygous with NM_020361.5:c.127A>G (ClinVar ID: 577800). Functional studies show a significant reduction of CPA6 levels (PMID: 25875328). Criteria applied: PS3, PS4_SUP, PM2_SUP

Literature cited by the submitters: PubMed 25875328 (cited by Institute of Human Genetics, University of Leipzig Medical Center).